The following is an entry in ClinVar:

ClinVar aggregate classification (germline): Uncertain significance. Review status: criteria provided, multiple submitters, no conflicts (2 of 4 stars). 2 submissions from 2 submitters: Uncertain significance (2). Last evaluated 2025-02-05.

Conditions:
Hereditary cancer-predisposing syndrome. Also called: Tumor predisposition; Hereditary neoplastic syndrome; Hereditary Cancer Syndrome; Neoplastic Syndromes, Hereditary. Identifiers: Orphanet 140162, MedGen C0027672, MeSH D009386, MONDO:0015356.
Familial meningioma. Also called: Meningioma, familial, susceptibility to. Identifiers: Orphanet 263662, MedGen C3551915, MONDO:0011789, OMIM 607174.

Allele frequency attached by ClinVar (database versions not stated): gnomAD exomes below 0.00001; TOPMed below 0.00001.
gnomAD v4.1: 2 of 1,613,930 alleles (0.00012%); highest among the groups gnomAD compares: Non-Finnish European, 0.00017%; no homozygotes.

Submissions (2):

Ambry Genetics
Classification: Uncertain significance for Hereditary cancer-predisposing syndrome. Last evaluated: 2025-02-05. Review status: criteria provided, single submitter. Criteria: Ambry Variant Classification Scheme 2023. Collection method: clinical testing. Allele origin: germline.
Comment: The p.R201C variant (also known as c.601C>T), located in coding exon 7 of the SMARCE1 gene, results from a C to T substitution at nucleotide position 601. The arginine at codon 201 is replaced by cysteine, an amino acid with highly dissimilar properties. This amino acid position is conserved. In addition, this alteration is predicted to be deleterious by in silico analysis. Based on the available evidence, the clinical significance of this variant remains unclear.

Labcorp Genetics (formerly Invitae), Labcorp
Classification: Uncertain significance for Familial meningioma. Last evaluated: 2024-10-30. Review status: criteria provided, single submitter. Criteria: Invitae Variant Classification Sherloc (09022015). Collection method: clinical testing. Allele origin: germline.
Comment: This sequence change replaces arginine, which is basic and polar, with cysteine, which is neutral and slightly polar, at codon 201 of the SMARCE1 protein (p.Arg201Cys). This variant is not present in population databases (gnomAD no frequency). This variant has not been reported in the literature in individuals affected with SMARCE1-related conditions. ClinVar contains an entry for this variant (Variation ID: 578387). Invitae Evidence Modeling of protein sequence and biophysical properties (such as structural, functional, and spatial information, amino acid conservation, physicochemical variation, residue mobility, and thermodynamic stability) indicates that this missense variant is not expected to disrupt SMARCE1 protein function with a negative predictive value of 80%. In summary, the available evidence is currently insufficient to determine the role of this variant in disease. Therefore, it has been classified as a Variant of Uncertain Significance.

NM_003079.5(SMARCE1):c.601C>T (p.Arg201Cys)

Gene: SMARCE1 (SWI/SNF related BAF chromatin remodeling complex subunit E1; minus strand). Cytogenetic location: 17q21.2.
Variant type: single nucleotide variant.
Coding change: c.601C>T on transcript NM_003079.5 (MANE Select); coding-DNA position 601, C replaced by T.
Protein change: p.Arg201Cys; replaces arginine 201 with cysteine.
Molecular consequence: missense variant.
Genome position (GRCh38, 1-based): chr17:40,632,308, G>A on the plus strand (C>T on the coding strand, the complement: SMARCE1 is on the minus strand). VCF-style: chr17-40632308-G-A. GRCh37 (hg19) VCF-style: chr17-38788560-G-A.
Other names: short protein forms R201C.
Identifiers: ClinVar variation 578387 (VCV000578387.11), dbSNP rs1567845807, ClinGen allele CA399364778.